The following is an entry in ClinVar:

NM_144670.6(A2ML1):c.971-2A>G

Gene: A2ML1 (alpha-2-macroglobulin like 1; plus strand). Cytogenetic location: 12p13.31.
Variant type: single nucleotide variant.
Coding change: c.971-2A>G on transcript NM_144670.6 (MANE Select); the canonical splice acceptor site of the intron before coding-DNA position 971, A replaced by G.
Molecular consequence: splice acceptor variant.
Genome position (GRCh38, 1-based): chr12:8,839,111, A>G. VCF-style: chr12-8839111-A-G. GRCh37 (hg19) VCF-style: chr12-8991707-A-G.
Identifiers: ClinVar variation 1056411 (VCV001056411.7), dbSNP rs2136786580, ClinGen allele CA383823521.

ClinVar aggregate classification (germline): Uncertain significance (1 of 4 stars; one submission).

Submission:

Labcorp Genetics (formerly Invitae), Labcorp
Classification: Uncertain significance. Last evaluated: 2018-05-22. Review status: criteria provided, single submitter. Criteria: Invitae Variant Classification Sherloc (09022015). Collection method: clinical testing. Allele origin: germline.
Comment: This variant is not present in population databases (ExAC no frequency). This sequence change affects an acceptor splice site in intron 9 of the A2ML1 gene. It is expected to disrupt RNA splicing and likely results in an absent or disrupted protein product. This variant has not been reported in the literature in individuals with A2ML1-related disease. In summary, the available evidence is currently insufficient to determine the role of this variant in disease. Therefore, it has been classified as a Variant of Uncertain Significance. The current clinical and genetic evidence is not sufficient to establish whether loss-of-function variants in A2ML1 cause disease. Algorithms developed to predict the effect of sequence changes on RNA splicing suggest that this variant may disrupt the consensus splice site, but this prediction has not been confirmed by published transcriptional studies.